The following is an entry in ClinVar:

ClinVar aggregate classification (germline): Uncertain significance (1 of 4 stars; one submission).

Submission:

Labcorp Genetics (formerly Invitae), Labcorp
Classification: Uncertain significance. Last evaluated: 2022-10-18. Review status: criteria provided, single submitter. Criteria: Invitae Variant Classification Sherloc (09022015). Collection method: clinical testing. Allele origin: germline.
Comment: This sequence change replaces aspartic acid, which is acidic and polar, with serine, which is neutral and polar, at codon 638 of the OBSL1 protein (p.Asp638Ser). Information on the frequency of this variant in the gnomAD database is not available, as this variant may be reported differently in the database. This variant has not been reported in the literature in individuals affected with OBSL1-related conditions. Algorithms developed to predict the effect of missense changes on protein structure and function are either unavailable or do not agree on the potential impact of this missense change (SIFT: "Not Available"; PolyPhen-2: "Benign"; Align-GVGD: "Not Available"). In summary, the available evidence is currently insufficient to determine the role of this variant in disease. Therefore, it has been classified as a Variant of Uncertain Significance.

NM_015311.3(OBSL1):c.1912_1913delinsAG (p.Asp638Ser)

Gene: OBSL1 (obscurin like cytoskeletal adaptor 1; minus strand). Cytogenetic location: 2q35.
Variant type: Indel.
Coding change: c.1912_1913delinsAG on transcript NM_015311.3 (MANE Select); coding-DNA positions 1912 to 1913, GA replaced by AG.
Protein change: p.Asp638Ser; replaces aspartic acid 638 with serine.
Molecular consequence: missense variant.
Genome position (GRCh38, 1-based): chr2:219,567,051-219,567,052, TC replaced by CT on the plus strand (GA replaced by AG on the coding strand, the reverse complement: OBSL1 is on the minus strand). VCF-style: chr2-219567051-TC-CT. GRCh37 (hg19) VCF-style: chr2-220431773-TC-CT.
Other names: c.1912_1913delinsAG, p.Asp638Ser (NM_001173408.2, NM_001173431.2); short protein forms D638S.
Identifiers: ClinVar variation 2041119 (VCV002041119.4), dbSNP rs2469053986, ClinGen allele CA2580065777.